The following is an entry in ClinVar:

NM_005476.7(GNE):c.2008G>T (p.Val670Phe)

Gene: GNE (glucosamine (UDP-N-acetyl)-2-epimerase/N-acetylmannosamine kinase; minus strand). Cytogenetic location: 9p13.3.
Variant type: single nucleotide variant.
Coding change: c.2008G>T on transcript NM_005476.7 (MANE Select); coding-DNA position 2008, G replaced by T.
Protein change: p.Val670Phe; replaces valine 670 with phenylalanine.
Molecular consequence: missense variant.
Genome position (GRCh38, 1-based): chr9:36,217,526, C>A on the plus strand (G>T on the coding strand, the complement: GNE is on the minus strand). VCF-style: chr9-36217526-C-A. GRCh37 (hg19) VCF-style: chr9-36217523-C-A.
Other names: c.2101G>T, p.Val701Phe (NM_001128227.3); c.1786G>T, p.Val596Phe (NM_001190383.3); c.1678G>T, p.Val560Phe (NM_001190384.3); c.1831G>T, p.Val611Phe (NM_001190388.2, NM_001374798.1); c.1855G>T, p.Val619Phe (NM_001374797.1); short protein forms V670F, V701F, V596F, V560F, V619F, V611F.
Identifiers: ClinVar variation 578096 (VCV000578096.7), dbSNP rs746449874, ClinGen allele CA5056371.
Genomic context (GRCh38, chr9:36,217,526, plus strand): 5'-AGGACAAGGCCTGCTGGCGAATGACGTCTTTGACAATGTGGATATAGTGACTGGCCAGGA[C>A]TCCGGAGAGGATCACAAGGGAGGGATTCATGGTATGGAGGATGTTCACAACCCCAAGACC-3'
Protein context (NP_005467.1, residues 660-680): MNPSLVILSG[Val670Phe]LASHYIHIVK

ClinVar aggregate classification (germline): Uncertain significance. Review status: criteria provided, single submitter (1 of 4 stars). 2 submissions from 2 submitters: Uncertain significance (1). 1 of the submissions does not count toward it. Last evaluated 2022-01-06.

Conditions:
GNE myopathy (NM). Also called: MYOPATHY, DISTAL, WITH OR WITHOUT RIMMED VACUOLES; NONAKA DISTAL MYOPATHY; INCLUSION BODY MYOPATHY, HEREDITARY, AUTOSOMAL RECESSIVE; INCLUSION BODY MYOPATHY 2, AUTOSOMAL RECESSIVE; IBM 2; Inclusion body myopathy autosomal recessive. Identifiers: Orphanet 602, MedGen C1853926, MONDO:0011603, OMIM 605820.
Sialuria. Also called: SIALURIA, FRENCH TYPE; Sialic Acid Storage Disease. Identifiers: Orphanet 3166, MedGen C0342853, MONDO:0010028, OMIM 269921.

Allele frequency attached by ClinVar (database versions not stated): gnomAD exomes 0.00001; ExAC 0.00002.
gnomAD v4.1: 10 of 1,614,134 alleles (0.00062%); highest among the groups gnomAD compares: South Asian, 0.0011%; no homozygotes.

Submissions (2):

Labcorp Genetics (formerly Invitae), Labcorp
Classification: Uncertain significance for Sialuria; GNE myopathy. Last evaluated: 2022-01-06. Review status: criteria provided, single submitter. Criteria: Invitae Variant Classification Sherloc (09022015). Collection method: clinical testing. Allele origin: germline.
Comment: This sequence change replaces valine, which is neutral and non-polar, with phenylalanine, which is neutral and non-polar, at codon 701 of the GNE protein (p.Val701Phe). This variant is present in population databases (rs746449874, gnomAD 0.003%). This variant has not been reported in the literature in individuals affected with GNE-related conditions. ClinVar contains an entry for this variant (Variation ID: 578096). Advanced modeling of protein sequence and biophysical properties (such as structural, functional, and spatial information, amino acid conservation, physicochemical variation, residue mobility, and thermodynamic stability) performed at Invitae indicates that this missense variant is not expected to disrupt GNE protein function. In summary, the available evidence is currently insufficient to determine the role of this variant in disease. Therefore, it has been classified as a Variant of Uncertain Significance.

Natera, Inc.
Classification: Uncertain significance for Nonaka myopathy. Last evaluated: 2019-10-28. Review status: no assertion criteria provided. Collection method: clinical testing. Allele origin: germline. Not counted in ClinVar's aggregate classification.